The following is an entry in ClinVar:

NM_001103.4(ACTN2):c.786C>G (p.Ala262=)

Gene: ACTN2 (actinin alpha 2; plus strand). Cytogenetic location: 1q43.
Variant type: single nucleotide variant.
Coding change: c.786C>G on transcript NM_001103.4 (MANE Select); coding-DNA position 786, C replaced by G.
Protein change: p.Ala262=; no amino-acid change (alanine 262 retained).
Molecular consequence: synonymous variant. On other transcripts: non-coding transcript variant (1).
Genome position (GRCh38, 1-based): chr1:236,737,124, C>G. VCF-style: chr1-236737124-C-G. GRCh37 (hg19) VCF-style: chr1-236900424-C-G.
Other names: c.786C>G, p.Ala262= (NM_001278343.2); c.786C>G (NM_001103.3).
Identifiers: ClinVar variation 4945863 (VCV004945863.2).

ClinVar aggregate classification (germline): Likely benign. Review status: criteria provided, multiple submitters, no conflicts (2 of 4 stars). 2 submissions from 2 submitters: Likely benign (2). Last evaluated 2026-05-30.

Conditions:
ACTN2-related disorder. Also called: ACTN2 related condition; ACTN2-related disorders.

gnomAD v4.1: 52 of 1,597,550 alleles (0.0033%); highest among the groups gnomAD compares: Non-Finnish European, 0.000086%; no homozygotes.

Submissions (2):

PreventionGenetics, part of Exact Sciences
Classification: Likely benign for ACTN2-related condition. Last evaluated: 2026-05-30. Review status: criteria provided, single submitter. Criteria: ACMG Guidelines, 2015. Collection method: clinical testing. Allele origin: germline.
Comment: This variant is classified as likely benign based on ACMG/AMP sequence variant interpretation guidelines (Richards et al. 2015 PMID: 25741868, with internal and published modifications).

Blueprint Genetics
Classification: Likely benign. Last evaluated: 2023-05-11. Review status: criteria provided, single submitter. Criteria: ACMG Guidelines, 2015. Collection method: clinical testing. Allele origin: germline.